The following is an entry in ClinVar:

ClinVar aggregate classification (germline): Uncertain significance. Review status: criteria provided, multiple submitters, no conflicts (2 of 4 stars). 2 submissions from 2 submitters: Uncertain significance (2). Last evaluated 2023-01-20.

Submissions (2):

Labcorp Genetics (formerly Invitae), Labcorp
Classification: Uncertain significance. Last evaluated: 2023-01-20. Review status: criteria provided, single submitter. Criteria: Invitae Variant Classification Sherloc (09022015). Collection method: clinical testing. Allele origin: germline.
Comment: In summary, the available evidence is currently insufficient to determine the role of this variant in disease. Therefore, it has been classified as a Variant of Uncertain Significance. Advanced modeling of protein sequence and biophysical properties (such as structural, functional, and spatial information, amino acid conservation, physicochemical variation, residue mobility, and thermodynamic stability) has been performed at Invitae for this missense variant, however the output from this modeling did not meet the statistical confidence thresholds required to predict the impact of this variant on ABCC6 protein function. ClinVar contains an entry for this variant (Variation ID: 1489370). This variant has not been reported in the literature in individuals affected with ABCC6-related conditions. This variant is not present in population databases (gnomAD no frequency). This sequence change replaces isoleucine, which is neutral and non-polar, with threonine, which is neutral and polar, at codon 576 of the ABCC6 protein (p.Ile576Thr).

Blueprint Genetics
Classification: Uncertain significance. Last evaluated: 2022-06-10. Review status: criteria provided, single submitter. Criteria: ACMG Guidelines, 2015. Collection method: clinical testing. Allele origin: germline.

NM_001171.6(ABCC6):c.1727T>C (p.Ile576Thr)

Gene: ABCC6 (ATP binding cassette subfamily C member 6; minus strand). Cytogenetic location: 16p13.11.
Variant type: single nucleotide variant.
Coding change: c.1727T>C on transcript NM_001171.6 (MANE Select); coding-DNA position 1727, T replaced by C.
Protein change: p.Ile576Thr; replaces isoleucine 576 with threonine.
Molecular consequence: missense variant. On other transcripts: non-coding transcript variant (1).
Genome position (GRCh38, 1-based): chr16:16,188,883, A>G on the plus strand (T>C on the coding strand, the complement: ABCC6 is on the minus strand). VCF-style: chr16-16188883-A-G. GRCh37 (hg19) VCF-style: chr16-16282740-A-G.
Other names: c.1385T>C, p.Ile462Thr (NM_001351800.1); short protein forms I462T, I576T.
Identifiers: ClinVar variation 1489370 (VCV001489370.7), dbSNP rs770677975, ClinGen allele CA394889327.